The following is an entry in ClinVar:

ClinVar aggregate classification (germline): Pathogenic/Likely pathogenic. Review status: criteria provided, multiple submitters, no conflicts (2 of 4 stars). 2 submissions from 2 submitters: Pathogenic (1); Likely pathogenic (1). Last evaluated 2024-07-26.

Conditions:
Hereditary angioedema type 1 (HAE1). Identifiers: Orphanet 100050, Orphanet 100051, Orphanet 91378, MedGen C2717906, MONDO:0015053, OMIM 106100.

Submissions (2):

DNA-diagnostics Laboratory, Research Centre For Medical Genetics
Classification: Pathogenic for Hereditary angioedema type 1. Last evaluated: 2024-07-26. Review status: criteria provided, single submitter. Criteria: ACMG Guidelines, 2015. Collection method: research. Allele origin: germline. Inheritance: Autosomal dominant inheritance. Affected: yes. Observed: 4 variant alleles, 4 heterozygotes.
Comment: The pathogenic or likely pathogenic SERPING1 gene variants are detected in >90% of the HAE1/2 families and in >80% of the total HAE families (e.g., DOI: 10.1016/j.molimm.2008.05.007, 10.1159/2F000138883, 10.1016/j.molimm.2011.07.010). In our study, the heterozygous c.1477G>C (p.Gly493Arg) variant in SERPING1 was observed in the autosomal dominant HAE1 family (in proband and three his sons) in cis with the recessive likely pathogenic c.1202T>C variant in SERPING1 (ClinVar SUB14628553). The only geterozygous c.1477G>C variant in genotype has previously been reported in two member of dominant HAE1 family from Italy (DOI: 10.1111/ahg.12052). Such in silico algorithms as BayesDel, MutPred, REVEL support a deleterious effect of this variant with Strong evidence of pathogenicity, when choosing at least two identical assessments and using the threshold ranges from ClinGen recommendations (DOI: 10.1016/j.ajhg.2022.10.013). In summary, the c.1477G>C variant in SERPING1 meets ACMG/ClinGen SVI guidance criteria to be classified as pathogenic: PP3_Str, PP4_Str, PM2_Sup, PP1

Juno Genomics, Hangzhou Juno Genomics, Inc
Classification: Likely pathogenic for Hereditary angioedema type 1. Review status: criteria provided, single submitter. Criteria: ACMG Guidelines, 2015. Collection method: clinical testing. Allele origin: germline. Affected: yes.
Comment: Absent from controls (or at extremely low frequency if recessive) in Genome Aggregation Database, Exome Sequencing Project, 1000 Genomes Project, or Exome Aggregation Consortium.;Multiple lines of computational evidence support a deleterious effect on the gene or gene product (conservation, evolutionary, splicing impact, etc).;The prevalence of the variant in affected individuals is significantly increased compared to the prevalence in controls.;Patient's phenotype or family history is highly specific for a disease with a single genetic etiology.

Literature cited by the submitters: DOI 10.1111/ahg.12052 (cited by DNA-diagnostics Laboratory, Research Centre For Medical Genetics).

NM_000062.3(SERPING1):c.1477G>C (p.Gly493Arg)

Gene: SERPING1 (serpin family G member 1; plus strand). Cytogenetic location: 11q12.1.
Variant type: single nucleotide variant.
Coding change: c.1477G>C on transcript NM_000062.3 (MANE Select); coding-DNA position 1477, G replaced by C.
Protein change: p.Gly493Arg; replaces glycine 493 with arginine.
Molecular consequence: missense variant.
Genome position (GRCh38, 1-based): chr11:57,614,555, G>C. VCF-style: chr11-57614555-G-C. GRCh37 (hg19) VCF-style: chr11-57382028-G-C.
Other names: c.1477G>C, p.Gly493Arg (NM_001032295.2); short protein forms G493R.
Identifiers: ClinVar variation 3358886 (VCV003358886.4).
Genomic context (GRCh38, chr11:57,614,555, plus strand): 5'-GTGCAGCAGCCCTTCCTCTTCGTGCTCTGGGACCAGCAGCACAAGTTCCCTGTCTTCATG[G>C]GGCGAGTATATGACCCCAGGGCCTGAGACCTGCAGGATCAGGTTAGGGCGAGCGCTACCT-3'
Protein context (NP_000053.2, residues 483-500): DQQHKFPVFM[Gly493Arg]RVYDPRA